The following is an entry in ClinVar:

NM_020843.4(SCAPER):c.68G>A (p.Arg23His)

Gene: SCAPER (S-phase cyclin A associated protein in the ER; minus strand). Cytogenetic location: 15q24.3.
Variant type: single nucleotide variant.
Coding change: c.68G>A on transcript NM_020843.4 (MANE Select); coding-DNA position 68, G replaced by A.
Protein change: p.Arg23His; replaces arginine 23 with histidine.
Molecular consequence: missense variant. On other transcripts: 5 prime UTR variant (3), non-coding transcript variant (1).
Genome position (GRCh38, 1-based): chr15:76,862,472, C>T on the plus strand (G>A on the coding strand, the complement: SCAPER is on the minus strand). VCF-style: chr15-76862472-C-T. GRCh37 (hg19) VCF-style: chr15-77154813-C-T.
Other names: c.68G>A, p.Arg23His (NM_001353009.2); c.-390G>A (NM_001353010.2); c.-453G>A (NM_001353011.2); c.-335G>A (NM_001353012.2); short protein forms R23H.
Identifiers: ClinVar variation 4994020 (VCV004994020.1).

ClinVar aggregate classification (germline): Uncertain significance (1 of 4 stars; one submission).

Conditions:
SCAPER-related disorder. Also called: SCAPER-related condition.

gnomAD v4.1: 12 of 1,613,156 alleles (0.00074%); highest among the groups gnomAD compares: South Asian, 0.0022%; no homozygotes.

Submission:

PreventionGenetics, part of Exact Sciences
Classification: Uncertain significance for SCAPER-related condition. Last evaluated: 2026-07-08. Review status: criteria provided, single submitter. Criteria: ACMG Guidelines, 2015. Collection method: clinical testing. Allele origin: germline.
Comment: The SCAPER c.68G>A variant is predicted to result in the amino acid substitution p.Arg23His. To our knowledge, this variant has not been reported in the literature. This variant is reported in 0.0018% of alleles in individuals of European (Non-Finnish) descent in gnomAD. At this time, the clinical significance of this variant is uncertain due to the absence of conclusive functional and genetic evidence.